The following is an entry in ClinVar:

ClinVar aggregate classification (germline): Uncertain significance (1 of 4 stars; one submission).

Conditions:
Ichthyosis linearis circumflexa. Identifiers: MedGen C0265962, MONDO:0043106, HP:0025810.

Submission:

Labcorp Genetics (formerly Invitae), Labcorp
Classification: Uncertain significance for Ichthyosis linearis circumflexa. Last evaluated: 2022-05-22. Review status: criteria provided, single submitter. Criteria: Invitae Variant Classification Sherloc (09022015). Collection method: clinical testing. Allele origin: germline.
Comment: In summary, the available evidence is currently insufficient to determine the role of this variant in disease. Therefore, it has been classified as a Variant of Uncertain Significance. This variant disrupts a region of the SPINK5 protein in which other variant(s) (p.Gln27Arg) have been observed in individuals with SPINK5-related conditions (PMID: 33452875; Invitae). This suggests that this is a clinically significant region of the protein, and that variants that disrupt it are likely to be disease-causing. Experimental studies and prediction algorithms are not available or were not evaluated, and the functional significance of this variant is currently unknown. This variant has not been reported in the literature in individuals affected with SPINK5-related conditions. This variant is not present in population databases (gnomAD no frequency). This sequence change affects the initiator methionine of the SPINK5 mRNA. The next in-frame methionine is located at codon 29.

Literature cited by the submitters: PubMed 33452875.

NM_006846.4(SPINK5):c.2T>A (p.Met1Lys)

Gene: SPINK5 (serine peptidase inhibitor Kazal type 5; plus strand). Cytogenetic location: 5q32.
Variant type: single nucleotide variant.
Coding change: c.2T>A on transcript NM_006846.4 (MANE Select); coding-DNA position 2, T replaced by A.
Protein change: p.Met1Lys; changes the start codon (methionine 1).
Molecular consequence: missense variant, initiator codon variant.
Genome position (GRCh38, 1-based): chr5:148,064,046, T>A. VCF-style: chr5-148064046-T-A. GRCh37 (hg19) VCF-style: chr5-147443609-T-A.
Other names: c.2T>A, p.Met1Lys (NM_001127698.2, NM_001127699.2); short protein forms M1K.
Identifiers: ClinVar variation 1997817 (VCV001997817.5), dbSNP rs2531633162, ClinGen allele CA361887268.